The following is an entry in ClinVar:

NM_000368.5(TSC1):c.2893_2894dup (p.Leu965fs)

Gene: TSC1 (TSC complex subunit 1; minus strand). Cytogenetic location: 9q34.13.
Variant type: Duplication.
Coding change: c.2893_2894dup on transcript NM_000368.5 (MANE Select); coding-DNA positions 2893 to 2894, 2 bases duplicated (TT; older notation c.2893_2894dupTT).
Protein change: p.Leu965fs; shifts the reading frame from leucine 965.
Molecular consequence: frameshift variant. On other transcripts: non-coding transcript variant (5).
Genome position (GRCh38, 1-based): chr9:132,897,265-132,897,266, AA duplicated on the plus strand (TT on the coding strand, the reverse complement: TSC1 is on the minus strand); duplicating any 2 consecutive bases within chr9:132,897,265-132,897,267 gives the same sequence; the c. name uses the placement nearest the transcript's 3' end. VCF-style (leftmost placement, unchanged base first): chr9-132897264-T-TAA. GRCh37 (hg19) VCF-style: chr9-135772651-T-TAA.
Other names: c.2890_2891dup, p.Leu964fs (NM_001162426.2, NM_001406597.1, NM_001406598.1 and 2 more transcripts); c.2740_2741dup, p.Leu914fs (NM_001162427.2, NM_001406610.1); c.2530_2531dup, p.Leu844fs (NM_001362177.2, NM_001406614.1, NM_001406615.1 and 4 more transcripts); c.2893_2894dup, p.Leu965fs (NM_001406592.1, NM_001406593.1, NM_001406594.1 and 2 more transcripts); c.2878_2879dup, p.Leu960fs (NM_001406601.1, NM_001406602.1); c.2875_2876dup, p.Leu959fs (NM_001406603.1, NM_001406604.1); c.2851_2852dup, p.Leu951fs (NM_001406605.1, NM_001406606.1, NM_001406607.1); c.2848_2849dup, p.Leu950fs (NM_001406608.1, NM_001406609.1); and 8 more; short protein forms L614fs, L647fs, L648fs, L829fs, L830fs, L843fs, L844fs, L899fs.
Identifiers: ClinVar variation 2679320 (VCV002679320.4), dbSNP rs2538478744, ClinGen allele CA2695199434.

ClinVar aggregate classification (germline): Conflicting classifications of pathogenicity. Review status: criteria provided, conflicting classifications (1 of 4 stars). 2 submissions from 2 submitters: Likely pathogenic (1); Uncertain significance (1). Last evaluated 2023-03-09.

Conditions:
Isolated focal cortical dysplasia type II (FCORD2). Also called: Focal cortical dysplasia type II; CORTICAL DYSPLASIA OF TAYLOR. Identifiers: Orphanet 268994, MedGen C1846385, MONDO:0011818, OMIM 607341, HP:0032051.
Tuberous sclerosis 1 (TSC1). Identifiers: Orphanet 805, MedGen C1854465, MONDO:0008612, OMIM 191100.

Submissions (2):

Labcorp Genetics (formerly Invitae), Labcorp
Classification: Uncertain significance for Tuberous sclerosis 1. Last evaluated: 2023-03-09. Review status: criteria provided, single submitter. Criteria: Invitae Variant Classification Sherloc (09022015). Collection method: clinical testing. Allele origin: germline.
Comment: This variant has not been reported in the literature in individuals affected with TSC1-related conditions. Algorithms developed to predict the effect of sequence changes on RNA splicing suggest that this variant may disrupt the consensus splice site. In summary, the available evidence is currently insufficient to determine the role of this variant in disease. Therefore, it has been classified as a Variant of Uncertain Significance. This variant is not present in population databases (gnomAD no frequency). This sequence change creates a premature translational stop signal (p.Leu965Phefs*12) in the TSC1 gene. While this is not anticipated to result in nonsense mediated decay, it is expected to disrupt the last 200 amino acid(s) of the TSC1 protein.

Baylor Genetics
Classification: Likely pathogenic for Isolated focal cortical dysplasia type II. Last evaluated: 2022-09-30. Review status: criteria provided, single submitter. Criteria: ACMG Guidelines, 2015. Collection method: clinical testing. Allele origin: unknown.